The following is an entry in ClinVar:

NM_018026.4(PACS1):c.403G>T (p.Asp135Tyr)

Gene: PACS1 (phosphofurin acidic cluster sorting protein 1; plus strand). Cytogenetic location: 11q13.2.
Variant type: single nucleotide variant.
Coding change: c.403G>T on transcript NM_018026.4 (MANE Select); coding-DNA position 403, G replaced by T.
Protein change: p.Asp135Tyr; replaces aspartic acid 135 with tyrosine.
Molecular consequence: missense variant.
Genome position (GRCh38, 1-based): chr11:66,193,532, G>T. VCF-style: chr11-66193532-G-T. GRCh37 (hg19) VCF-style: chr11-65961003-G-T.
Other names: short protein forms D135Y.
Identifiers: ClinVar variation 2698937 (VCV002698937.3), dbSNP rs2495502253, ClinGen allele CA381508496.

ClinVar aggregate classification (germline): Uncertain significance (1 of 4 stars; one submission).

Conditions:
Schuurs-Hoeijmakers syndrome. Also called: PACS1-Related Neurodevelopmental Disorder. Identifiers: Orphanet 329224, MedGen C3554343, MONDO:0014006, OMIM 615009.

Submission:

Labcorp Genetics (formerly Invitae), Labcorp
Classification: Uncertain significance for Schuurs-Hoeijmakers syndrome. Last evaluated: 2023-11-25. Review status: criteria provided, single submitter. Criteria: Invitae Variant Classification Sherloc (09022015). Collection method: clinical testing. Allele origin: germline.
Comment: This sequence change replaces aspartic acid, which is acidic and polar, with tyrosine, which is neutral and polar, at codon 135 of the PACS1 protein (p.Asp135Tyr). This variant is not present in population databases (gnomAD no frequency). This variant has not been reported in the literature in individuals affected with PACS1-related conditions. Advanced modeling of protein sequence and biophysical properties (such as structural, functional, and spatial information, amino acid conservation, physicochemical variation, residue mobility, and thermodynamic stability) performed at Invitae indicates that this missense variant is expected to disrupt PACS1 protein function with a positive predictive value of 80%. In summary, the available evidence is currently insufficient to determine the role of this variant in disease. Therefore, it has been classified as a Variant of Uncertain Significance.